The following is an entry in ClinVar:

ClinVar aggregate classification (germline): Uncertain significance (1 of 4 stars; one submission).

Submission:

GeneDx
Classification: Uncertain significance. Last evaluated: 2024-02-26. Review status: criteria provided, single submitter. Criteria: GeneDx Variant Classification Process June 2021. Collection method: clinical testing. Allele origin: germline. Affected: yes.
Comment: Not observed at significant frequency in large population cohorts (gnomAD); In silico analysis supports that this missense variant has a deleterious effect on protein structure/function; Has not been previously published as pathogenic or benign to our knowledge

NM_080680.3(COL11A2):c.5136T>A (p.Asp1712Glu)

Gene: COL11A2 (collagen type XI alpha 2 chain; minus strand). Cytogenetic location: 6p21.32.
Variant type: single nucleotide variant.
Coding change: c.5136T>A on transcript NM_080680.3 (MANE Select); coding-DNA position 5136, T replaced by A.
Protein change: p.Asp1712Glu; replaces aspartic acid 1712 with glutamic acid.
Molecular consequence: missense variant.
Genome position (GRCh38, 1-based): chr6:33,163,753, A>T on the plus strand (T>A on the coding strand, the complement: COL11A2 is on the minus strand). VCF-style: chr6-33163753-A-T. GRCh37 (hg19) VCF-style: chr6-33131530-A-T.
Other names: c.4956T>A, p.Asp1652Glu (NM_001424108.1); c.4290T>A, p.Asp1430Glu (NM_001424109.1); c.4110T>A, p.Asp1370Glu (NM_001424110.1, NM_001424111.1); c.3090T>A, p.Asp1030Glu (NM_001424112.1); c.4815T>A, p.Asp1605Glu (NM_080679.3); c.4878T>A, p.Asp1626Glu (NM_080681.3); short protein forms D1030E, D1370E, D1430E, D1605E, D1626E, D1652E, D1712E.
Identifiers: ClinVar variation 3369577 (VCV003369577.1).